The following is an entry in ClinVar:

NM_005431.2(XRCC2):c.379CTT[1] (p.Leu128del)

Gene: XRCC2 (X-ray repair cross complementing 2; minus strand). Cytogenetic location: 7q36.1.
Variant type: Microsatellite.
Coding change: c.379CTT[1] on transcript NM_005431.2 (MANE Select); one copy of the 3-base unit CTT starting at c.379; the reference has two copies in a row; one copy, 3 bases deleted.
Protein change: p.Leu128del; deletes leucine 128.
Molecular consequence: inframe deletion.
Genome position (GRCh38, 1-based): chr7:152,649,101-152,649,103, AAG deleted on the plus strand (CTT on the coding strand, the reverse complement: XRCC2 is on the minus strand); deleting any 3 consecutive bases within chr7:152,649,101-152,649,106 gives the same sequence; the position shown is the placement nearest the transcript's 3' end. VCF-style (leftmost placement, unchanged base first): chr7-152649100-TAAG-T. GRCh37 (hg19) VCF-style: chr7-152346185-TAAG-T.
Other names: short protein forms L128del.
Identifiers: ClinVar variation 1735265 (VCV001735265.2), dbSNP rs2485881422, ClinGen allele CA2580614296.

ClinVar aggregate classification (germline): Uncertain significance (1 of 4 stars; one submission).

Conditions:
Hereditary cancer-predisposing syndrome. Also called: Neoplastic Syndromes, Hereditary; Tumor predisposition; Hereditary Cancer Syndrome; Hereditary neoplastic syndrome. Identifiers: Orphanet 140162, MedGen C0027672, MeSH D009386, MONDO:0015356.

Submission:

Ambry Genetics
Classification: Uncertain significance for Hereditary cancer-predisposing syndrome. Last evaluated: 2021-04-20. Review status: criteria provided, single submitter. Criteria: Ambry Variant Classification Scheme 2023. Collection method: clinical testing. Allele origin: germline.
Comment: The c.382_384delCTT variant (also known as p.L128del) is located in coding exon 3 of the XRCC2 gene. This variant results from an in-frame CTT deletion at nucleotide positions 382 to 384. This results in the in-frame deletion of a leucine at codon 128. This amino acid position is well conserved in available vertebrate species. In addition, this alteration is predicted to be deleterious by in silico analysis (Choi Y et al. PLoS ONE. 2012; 7(10):e46688). Since supporting evidence is limited at this time, the clinical significance of this alteration remains unclear.